The following is an entry in ClinVar:

NM_016169.4(SUFU):c.43C>G (p.Pro15Ala)

Genes: SUFU (SUFU negative regulator of hedgehog signaling; plus strand), LOC130004614 (ATAC-STARR-seq lymphoblastoid silent region 2764; plus strand). Cytogenetic location: 10q24.32.
Variant type: single nucleotide variant.
Coding change: c.43C>G on transcript NM_016169.4 (MANE Select); coding-DNA position 43, C replaced by G.
Protein change: p.Pro15Ala; replaces proline 15 with alanine.
Molecular consequence: missense variant.
Genome position (GRCh38, 1-based): chr10:102,504,195, C>G. VCF-style: chr10-102504195-C-G. GRCh37 (hg19) VCF-style: chr10-104263952-C-G.
Other names: c.43C>G, p.Pro15Ala (NM_001178133.2); short protein forms P15A.
Identifiers: ClinVar variation 1057293 (VCV001057293.12), dbSNP rs761921681, ClinGen allele CA377886232.

ClinVar aggregate classification (germline): Uncertain significance. Review status: criteria provided, multiple submitters, no conflicts (2 of 4 stars). 2 submissions from 2 submitters: Uncertain significance (2). Last evaluated 2025-02-12.

Conditions:
Hereditary cancer-predisposing syndrome. Also called: Tumor predisposition; Neoplastic Syndromes, Hereditary; Hereditary Cancer Syndrome; Hereditary neoplastic syndrome. Identifiers: Orphanet 140162, MedGen C0027672, MeSH D009386, MONDO:0015356.
Gorlin syndrome. Also called: Basal cell nevus syndrome; Nevoid Basal Cell Carcinoma Syndrome. Identifiers: Orphanet 377, MedGen C0004779, MONDO:0007187.
Medulloblastoma (MDB). Also called: Medulloblastoma, somatic; MEDULLOBLASTOMA PREDISPOSITION SYNDROME. Identifiers: Orphanet 616, MedGen C0025149, MeSH D008527, MONDO:0007959, OMIM 155255, HP:0002885.

Submissions (2):

Labcorp Genetics (formerly Invitae), Labcorp
Classification: Uncertain significance for Gorlin syndrome; Medulloblastoma. Last evaluated: 2025-02-12. Review status: criteria provided, single submitter. Criteria: Invitae Variant Classification Sherloc (09022015). Collection method: clinical testing. Allele origin: germline.
Comment: This sequence change replaces proline, which is neutral and non-polar, with alanine, which is neutral and non-polar, at codon 15 of the SUFU protein (p.Pro15Ala). This variant is not present in population databases (gnomAD no frequency). This variant has not been reported in the literature in individuals affected with SUFU-related conditions. ClinVar contains an entry for this variant (Variation ID: 1057293). An algorithm developed to predict the effect of missense changes on protein structure and function (PolyPhen-2) suggests that this variant is likely to be disruptive. In summary, the available evidence is currently insufficient to determine the role of this variant in disease. Therefore, it has been classified as a Variant of Uncertain Significance.

Ambry Genetics
Classification: Uncertain significance for Hereditary cancer-predisposing syndrome. Last evaluated: 2024-11-23. Review status: criteria provided, single submitter. Criteria: Ambry Variant Classification Scheme 2023. Collection method: clinical testing. Allele origin: germline.
Comment: The p.P15A variant (also known as c.43C>G), located in coding exon 1 of the SUFU gene, results from a C to G substitution at nucleotide position 43. The proline at codon 15 is replaced by alanine, an amino acid with highly similar properties. This amino acid position is conserved. In addition, this alteration is predicted to be tolerated by in silico analysis. Since supporting evidence is limited at this time, the clinical significance of this alteration remains unclear.